The following is an entry in ClinVar:

NM_006393.3(NEBL):c.739A>C (p.Asn247His)

Gene: NEBL (nebulette; minus strand). Cytogenetic location: 10p12.31.
Variant type: single nucleotide variant.
Coding change: c.739A>C on transcript NM_006393.3 (MANE Select); coding-DNA position 739, A replaced by C.
Protein change: p.Asn247His; replaces asparagine 247 with histidine.
Molecular consequence: missense variant. On other transcripts: intron variant (9).
Genome position (GRCh38, 1-based): chr10:20,859,772, T>G on the plus strand (A>C on the coding strand, the complement: NEBL is on the minus strand). VCF-style: chr10-20859772-T-G. GRCh37 (hg19) VCF-style: chr10-21148701-T-G.
Other names: c.358-46832A>C (NM_213569.2, NM_001173484.2, NM_001377322.1); c.301-46832A>C (NM_001377324.1); c.292-46832A>C (NM_001377325.1); c.310-46832A>C (NM_001377323.1); c.250-46832A>C (NM_001377326.1, NM_001377327.1, NM_001377328.1); short protein forms N247H.
Identifiers: ClinVar variation 3716248 (VCV003716248.2).
Genomic context (GRCh38, chr10:20,859,772, plus strand): 5'-CATTGCTCGCCAGTGTAGCAGCAAGCTGATTCTGCCTAAAAGAAGCACTTTCAAGAGGAT[T>G]GTAATGATGTTTCTTATCCTTCATTTCATTATCAAATTTTTCTTTGTATTTAATCTGTCA-3'
Protein context (NP_006384.1, residues 237-257): NEMKDKKHHY[Asn247His]PLESASFRQN

ClinVar aggregate classification (germline): Uncertain significance (1 of 4 stars; one submission).

Conditions:
Primary dilated cardiomyopathy (DCM). Also called: Dilated Cardiomyopathy. Identifiers: Orphanet 217604, MedGen C0007193, MeSH D002311, MONDO:0005021, HP:0001644. Inheritance: Various modes of inheritance.

gnomAD v4.1: 1 of 1,603,684 alleles (0.000062%); highest among the groups gnomAD compares: East Asian, 0.0022%; no homozygotes.

Submission:

Labcorp Genetics (formerly Invitae), Labcorp
Classification: Uncertain significance for Primary dilated cardiomyopathy. Last evaluated: 2024-03-12. Review status: criteria provided, single submitter. Criteria: Invitae Variant Classification Sherloc (09022015). Collection method: clinical testing. Allele origin: germline.
Comment: This sequence change replaces asparagine, which is neutral and polar, with histidine, which is basic and polar, at codon 247 of the NEBL protein (p.Asn247His). This variant is not present in population databases (gnomAD no frequency). This variant has not been reported in the literature in individuals affected with NEBL-related conditions. An algorithm developed to predict the effect of missense changes on protein structure and function (PolyPhen-2) suggests that this variant is likely to be disruptive. In summary, the available evidence is currently insufficient to determine the role of this variant in disease. Therefore, it has been classified as a Variant of Uncertain Significance.